The following is an entry in ClinVar:

NM_024928.5(STN1):c.560T>A (p.Leu187Gln)

Gene: STN1 (STN1 subunit of CST complex; minus strand). Cytogenetic location: 10q24.33.
Variant type: single nucleotide variant.
Coding change: c.560T>A on transcript NM_024928.5 (MANE Select); coding-DNA position 560, T replaced by A.
Protein change: p.Leu187Gln; replaces leucine 187 with glutamine.
Molecular consequence: missense variant.
Genome position (GRCh38, 1-based): chr10:103,898,898, A>T on the plus strand (T>A on the coding strand, the complement: STN1 is on the minus strand). VCF-style: chr10-103898898-A-T. GRCh37 (hg19) VCF-style: chr10-105658656-A-T.
Other names: short protein forms L187Q.
Identifiers: ClinVar variation 1374348 (VCV001374348.6), dbSNP rs768456160, ClinGen allele CA378046132.

ClinVar aggregate classification (germline): Uncertain significance (1 of 4 stars; one submission).

Submission:

Labcorp Genetics (formerly Invitae), Labcorp
Classification: Uncertain significance. Last evaluated: 2021-08-11. Review status: criteria provided, single submitter. Criteria: Invitae Variant Classification Sherloc (09022015). Collection method: clinical testing. Allele origin: germline.
Comment: This sequence change replaces leucine with glutamine at codon 187 of the STN1 protein (p.Leu187Gln). The leucine residue is moderately conserved and there is a moderate physicochemical difference between leucine and glutamine. This variant is not present in population databases (ExAC no frequency). This variant has not been reported in the literature in individuals affected with STN1-related conditions. Algorithms developed to predict the effect of missense changes on protein structure and function are either unavailable or do not agree on the potential impact of this missense change (SIFT: "Deleterious"; PolyPhen-2: "Possibly Damaging"; Align-GVGD: "Class C0"). In summary, the available evidence is currently insufficient to determine the role of this variant in disease. Therefore, it has been classified as a Variant of Uncertain Significance.